The following is an entry in ClinVar:

NM_004370.6(COL12A1):c.214C>A (p.Leu72Ile)

Gene: COL12A1 (collagen type XII alpha 1 chain; minus strand). Cytogenetic location: 6q13.
Variant type: single nucleotide variant.
Coding change: c.214C>A on transcript NM_004370.6 (MANE Select); coding-DNA position 214, C replaced by A.
Protein change: p.Leu72Ile; replaces leucine 72 with isoleucine.
Molecular consequence: missense variant. On other transcripts: intron variant (1).
Genome position (GRCh38, 1-based): chr6:75,192,332, G>T on the plus strand (C>A on the coding strand, the complement: COL12A1 is on the minus strand). VCF-style: chr6-75192332-G-T. GRCh37 (hg19) VCF-style: chr6-75902048-G-T.
Other names: c.73+10388C>A (NM_080645.3); short protein forms L72I.
Identifiers: ClinVar variation 839184 (VCV000839184.8), dbSNP rs1318884120, ClinGen allele CA364731200.
Genomic context (GRCh38, chr6:75,192,332, plus strand): 5'-CCACATACTCTGTTTCAGGTACAAGTTCTGACAATAAAGTTTCAGTGGTACTAGCTGAAA[G>T]GGTAAATTCTTTAGTAGGCCCATCTGGAAATATAAAAAGGAAAAATATGAATGCAACAAA-3'
Protein context (NP_004361.3, residues 62-82): TTDGPTKEFT[Leu72Ile]SASTTETLLS

ClinVar aggregate classification (germline): Uncertain significance (1 of 4 stars; one submission).

Conditions:
Ullrich congenital muscular dystrophy 2 (UCMD2). Identifiers: Orphanet 75840, MedGen C4225314, MONDO:0014654, OMIM 616470.
Bethlem myopathy 2 (BTHLM2). Identifiers: Orphanet 536516, Orphanet 610, MedGen C4225313, MONDO:0034022, OMIM 616471.

Allele frequency attached by ClinVar (database versions not stated): TOPMed 0.00002; gnomAD 0.00001; gnomAD exomes below 0.00001.
gnomAD v4.1: 6 of 1,610,794 alleles (0.00037%); highest among the groups gnomAD compares: Admixed American, 0.0017%; no homozygotes.

Submission:

Labcorp Genetics (formerly Invitae), Labcorp
Classification: Uncertain significance for Bethlem myopathy 2; Ullrich congenital muscular dystrophy 2. Last evaluated: 2025-07-29. Review status: criteria provided, single submitter. Criteria: Invitae Variant Classification Sherloc (09022015). Collection method: clinical testing. Allele origin: germline.
Comment: This sequence change replaces leucine, which is neutral and non-polar, with isoleucine, which is neutral and non-polar, at codon 72 of the COL12A1 protein (p.Leu72Ile). This variant is not present in population databases (gnomAD no frequency). This variant has not been reported in the literature in individuals affected with COL12A1-related conditions. ClinVar contains an entry for this variant (Variation ID: 839184). Invitae Evidence Modeling of protein sequence and biophysical properties (such as structural, functional, and spatial information, amino acid conservation, physicochemical variation, residue mobility, and thermodynamic stability) indicates that this missense variant is expected to disrupt COL12A1 protein function with a positive predictive value of 80%. In summary, the available evidence is currently insufficient to determine the role of this variant in disease. Therefore, it has been classified as a Variant of Uncertain Significance.